The following is an entry in ClinVar:

NM_003184.4(TAF2):c.2711A>T (p.Tyr904Phe)

Gene: TAF2 (TATA-box binding protein associated factor 2; minus strand). Cytogenetic location: 8q24.12.
Variant type: single nucleotide variant.
Coding change: c.2711A>T on transcript NM_003184.4 (MANE Select); coding-DNA position 2711, A replaced by T.
Protein change: p.Tyr904Phe; replaces tyrosine 904 with phenylalanine.
Molecular consequence: missense variant.
Genome position (GRCh38, 1-based): chr8:119,758,130, T>A on the plus strand (A>T on the coding strand, the complement: TAF2 is on the minus strand). VCF-style: chr8-119758130-T-A. GRCh37 (hg19) VCF-style: chr8-120770370-T-A.
Other names: short protein forms Y904F.
Identifiers: ClinVar variation 1434359 (VCV001434359.8), dbSNP rs2131047327, ClinGen allele CA371891353.

ClinVar aggregate classification (germline): Uncertain significance (1 of 4 stars; one submission).

Submission:

Labcorp Genetics (formerly Invitae), Labcorp
Classification: Uncertain significance. Last evaluated: 2025-01-06. Review status: criteria provided, single submitter. Criteria: Invitae Variant Classification Sherloc (09022015). Collection method: clinical testing. Allele origin: germline.
Comment: This sequence change replaces tyrosine, which is neutral and polar, with phenylalanine, which is neutral and non-polar, at codon 904 of the TAF2 protein (p.Tyr904Phe). This variant is not present in population databases (gnomAD no frequency). This variant has not been reported in the literature in individuals affected with TAF2-related conditions. ClinVar contains an entry for this variant (Variation ID: 1434359). Invitae Evidence Modeling of protein sequence and biophysical properties (such as structural, functional, and spatial information, amino acid conservation, physicochemical variation, residue mobility, and thermodynamic stability) indicates that this missense variant is not expected to disrupt TAF2 protein function with a negative predictive value of 80%. In summary, the available evidence is currently insufficient to determine the role of this variant in disease. Therefore, it has been classified as a Variant of Uncertain Significance.